The following is an entry in ClinVar:

NM_016194.4(GNB5):c.368C>G (p.Ser123Trp)

Gene: GNB5 (G protein subunit beta 5; minus strand). Cytogenetic location: 15q21.2.
Variant type: single nucleotide variant.
Coding change: c.368C>G on transcript NM_016194.4 (MANE Select); coding-DNA position 368, C replaced by G.
Protein change: p.Ser123Trp; replaces serine 123 with tryptophan.
Molecular consequence: missense variant.
Genome position (GRCh38, 1-based): chr15:52,153,947, G>C on the plus strand (C>G on the coding strand, the complement: GNB5 is on the minus strand). VCF-style: chr15-52153947-G-C. GRCh37 (hg19) VCF-style: chr15-52446144-G-C.
Other names: c.86C>G, p.Ser29Trp (NM_001379343.1); c.242C>G, p.Ser81Trp (NM_006578.4); short protein forms S123W, S29W, S81W.
Identifiers: ClinVar variation 977622 (VCV000977622.6), dbSNP rs761399728, ClinGen allele CA392482442.
Genomic context (GRCh38, chr15:52,153,947, plus strand): 5'-TTAGCTATAAAATCCAAAACCCGCTCACCTGTTATGCAGCAGGTGTGACATACCTGTGAC[G>C]AGCTCACGATCCTCCTCTTATCTTTGCACCAGTCCATGCACAGGACTTTGTTCCCGTGGC-3'
Protein context (NP_057278.2, residues 113-133): WCKDKRRIVS[Ser123Trp]SQDGKVIVWD

ClinVar aggregate classification (germline): Likely pathogenic. Review status: criteria provided, multiple submitters, no conflicts (2 of 4 stars). 3 submissions from 3 submitters: Likely pathogenic (2). 1 of the submissions does not count toward it. Last evaluated 2025-12-02.

Conditions:
Lodder-Merla syndrome, type 1, with impaired intellectual development and cardiac arrhythmia. Also called: Intellectual developmental disorder with cardiac arrhythmia; Gnb5-related intellectual disability-cardiac arrhythmia syndrome. Identifiers: Orphanet 542306, MedGen C5568877, MONDO:0014953, OMIM 617173.
Language delay and attention deficit-hyperactivity disorder/cognitive impairment with or without cardiac arrhythmia (LDMLS2). Also called: LODDER-MERLA SYNDROME, TYPE 2, WITH DEVELOPMENTAL DELAY AND WITH OR WITHOUT CARDIAC ARRHYTHMIA. Identifiers: MedGen C4310678, MONDO:0014957, OMIM 617182.
Global developmental delay (DD). Also called: Cognitive delay. Identifiers: MedGen C0557874, HP:0001263. Disease mechanism: loss of function.

gnomAD v4.1: 1 of 1,611,390 alleles (0.000062%); highest among the groups gnomAD compares: Non-Finnish European, 0.000085%; no homozygotes.

Submissions (3):

3billion
Classification: Likely pathogenic for Language delay and attention deficit-hyperactivity disorder/cognitive impairment with or without cardiac arrhythmia. Last evaluated: 2025-12-02. Review status: criteria provided, single submitter. Criteria: ACMG Guidelines, 2015. Collection method: clinical testing. Allele origin: germline. Affected: yes.
Comment: The variant is observed at an extremely low frequency in the gnomAD v4.1.0 dataset (total allele frequency: <0.001%). Predicted Consequence/Location: Missense variant. The majority of the known disease-causing variants of this gene are variants expected to result in premature termination of the protein. In silico tool predictions suggest damaging effect of the variant on gene or gene product [REVEL: 0.70 (>=0.6, sensitivity 0.68 and specificity 0.92); 3Cnet: 0.89 (> 0.75, sensitivity 0.96 and precision 0.92)]. The same nucleotide change resulting in the same amino acid change has been previously reported to be associated with GNB5-related disorder (ClinVar ID: VCV000977622 /3billion dataset). A different missense change at the same codon (p.Ser123Leu) has been reported as pathogenic/likely pathogenic with strong evidence (ClinVar ID: VCV000254029 /PMID: 27523599). Therefore, this variant is classified as Likely pathogenic according to the recommendation of ACMG/AMP guideline.

Cytogénomique, Hospices Civils de Lyon
Classification: Likely pathogenic for Global developmental delay. Last evaluated: 2019-11-01. Review status: criteria provided, single submitter. Criteria: ACMG Guidelines, 2015. Collection method: clinical testing. Allele origin: germline. Affected: yes.

GeneReviews
No classification provided. Condition: Lodder-Merla syndrome, type 1, with impaired intellectual development and cardiac arrhythmia. Review status: no classification provided. Collection method: literature only. Allele origin: germline. Not counted in ClinVar's aggregate classification.

Literature cited by the submitters: PubMed 27523599 (cited by 3billion); PubMed 33172956 (cited by GeneReviews); NCBI Bookshelf NBK573218 (cited by GeneReviews).